The following is an entry in ClinVar:

ClinVar aggregate classification (germline): Likely benign (1 of 4 stars; one submission).

Conditions:
Aneurysm-osteoarthritis syndrome. Also called: SMAD3-Related Loeys-Dietz Syndrome; ANEURYSMS-OSTEOARTHRITIS SYNDROME; Loeys-Dietz syndrome, type 1C; LOEYS-DIETZ SYNDROME WITH OSTEOARTHRITIS. Identifiers: Orphanet 284984, MedGen C3151087, MONDO:0013426, OMIM 613795.

Allele frequency attached by ClinVar (database versions not stated): gnomAD exomes below 0.00001.

Submission:

All of Us Research Program, National Institutes of Health
Classification: Likely benign for Aneurysm-osteoarthritis syndrome. Last evaluated: 2023-05-30. Review status: criteria provided, single submitter. Criteria: ACMG Guidelines, 2015. Collection method: clinical testing. Allele origin: germline. Inheritance: Autosomal dominant inheritance. Observed: 1 variant allele, 1 heterozygote.
Comment: This study involves interpretation of variants in research participants for the purpose of population health screening. Participant phenotype was not available at the time of variant classification. Additional details can be found in publication PMID: 35346344, PMCID: PMC8962531

NM_005902.4(SMAD3):c.540A>C (p.Pro180=)

Gene: SMAD3 (SMAD family member 3; plus strand). Cytogenetic location: 15q22.33.
Variant type: single nucleotide variant.
Coding change: c.540A>C on transcript NM_005902.4 (MANE Select); coding-DNA position 540, A replaced by C.
Protein change: p.Pro180=; no amino-acid change (proline 180 retained).
Molecular consequence: synonymous variant. On other transcripts: 5 prime UTR variant (2).
Genome position (GRCh38, 1-based): chr15:67,166,786, A>C. VCF-style: chr15-67166786-A-C. GRCh37 (hg19) VCF-style: chr15-67459124-A-C.
Other names: c.225A>C, p.Pro75= (NM_001145102.2, NM_001407016.1); c.408A>C, p.Pro136= (NM_001145103.2, NM_001407012.1); c.-46A>C (NM_001145104.2, NM_001407017.1); c.540A>C, p.Pro180= (NM_001407011.1, NM_001407013.1); c.393A>C, p.Pro131= (NM_001407014.1); c.93A>C, p.Pro31= (NM_001407015.1).
Identifiers: ClinVar variation 3071421 (VCV003071421.1), dbSNP rs1962601857, ClinGen allele CA490911930.